The following is an entry in ClinVar:

NM_001163278.2(TENM1):c.3559G>A (p.Gly1187Ser)

Gene: TENM1 (teneurin transmembrane protein 1; minus strand). Cytogenetic location: Xq25.
Variant type: single nucleotide variant.
Coding change: c.3559G>A on transcript NM_001163278.2 (MANE Select); coding-DNA position 3559, G replaced by A.
Protein change: p.Gly1187Ser; replaces glycine 1187 with serine.
Molecular consequence: missense variant.
Genome position (GRCh38, 1-based): chrX:124,497,152, C>T on the plus strand (G>A on the coding strand, the complement: TENM1 is on the minus strand). VCF-style: chrX-124497152-C-T. GRCh37 (hg19) VCF-style: chrX-123631002-C-T.
Other names: c.3556G>A, p.Gly1186Ser (NM_001163279.1); c.3559G>A, p.Gly1187Ser (NM_014253.3); short protein forms G1186S, G1187S.
Identifiers: ClinVar variation 4593840 (VCV004593840.1).

ClinVar aggregate classification (germline): Uncertain significance (1 of 4 stars; one submission).

gnomAD v4.1: 1 of 1,210,312 alleles (0.000083%); highest among the groups gnomAD compares: Admixed American, 0.0022%; no homozygotes.

Submission:

Ambry Genetics
Classification: Uncertain significance. Last evaluated: 2025-10-02. Review status: criteria provided, single submitter. Criteria: Ambry Variant Classification Scheme 2023. Collection method: clinical testing. Allele origin: germline.
Comment: The c.3559G>A (p.G1187S) alteration is located in exon 20 (coding exon 20) of the TENM1 gene. This alteration results from a G to A substitution at nucleotide position 3559, causing the glycine (G) at amino acid position 1187 to be replaced by a serine (S). Based on data from gnomAD, the A allele has an overall frequency of <0.001% (1/182495) total alleles studied. The highest observed frequency was 0.004% (1/27261) of Latino alleles. Based on insufficient or conflicting evidence, the clinical significance of this alteration remains unclear.